The following is an entry in ClinVar:

ClinVar aggregate classification (germline): Conflicting classifications of pathogenicity. Review status: criteria provided, conflicting classifications (1 of 4 stars). 2 submissions from 2 submitters: Uncertain significance (1); Likely benign (1). Last evaluated 2025-12-08.

Allele frequency attached by ClinVar (database versions not stated): gnomAD exomes 0.00001; TOPMed 0.00001; ExAC 0.00002.
gnomAD v4.1: 4 of 1,614,128 alleles (0.00025%); highest among the groups gnomAD compares: Admixed American, 0.0067%; no homozygotes.

Submissions (2):

Labcorp Genetics (formerly Invitae), Labcorp
Classification: Likely benign. Last evaluated: 2025-12-08. Review status: criteria provided, single submitter. Criteria: Invitae Variant Classification Sherloc (09022015). Collection method: clinical testing. Allele origin: germline.

GeneDx
Classification: Uncertain significance. Last evaluated: 2021-03-31. Review status: criteria provided, single submitter. Criteria: GeneDx Variant Classification Process June 2021. Collection method: clinical testing. Allele origin: germline. Affected: yes.
Comment: In silico analysis supports that this variant does not alter splicing; Has not been previously published as pathogenic or benign to our knowledge

NM_000092.5(COL4A4):c.2407C>T (p.Leu803=)

Gene: COL4A4 (collagen type IV alpha 4 chain; minus strand). Cytogenetic location: 2q36.3.
Variant type: single nucleotide variant.
Coding change: c.2407C>T on transcript NM_000092.5 (MANE Select); coding-DNA position 2407, C replaced by T.
Protein change: p.Leu803=; no amino-acid change (leucine 803 retained).
Molecular consequence: synonymous variant.
Genome position (GRCh38, 1-based): chr2:227,057,577, G>A on the plus strand (C>T on the coding strand, the complement: COL4A4 is on the minus strand). VCF-style: chr2-227057577-G-A. GRCh37 (hg19) VCF-style: chr2-227922293-G-A.
Identifiers: ClinVar variation 1314419 (VCV001314419.9), dbSNP rs762646235, ClinGen allele CA2144808.